The following is an entry in ClinVar:

ClinVar aggregate classification (germline): Likely benign. Review status: reviewed by expert panel (3 of 4 stars). 4 submissions from 4 submitters: Likely benign (1). 3 of the submissions do not count toward it. Last evaluated 2025-01-15.

Conditions:
Hereditary thrombocytopenia and hematological cancer predisposition syndrome associated with RUNX1. Also called: Familial Platelet Disorder with Propensity to Acute Myelogenous Leukemia; Familial thrombocytopenia with propensity to acute myelogenous leukemia; PLATELET DISORDER, ASPIRIN-LIKE; RUNX1 Familial Platelet Disorder with Associated Myeloid Malignancies. Identifiers: Orphanet 71290, MedGen C1832388, MeSH C563324, MONDO:0100083, OMIM 601399.
Inborn genetic diseases. Identifiers: MedGen C0950123, MeSH D030342.
Hereditary thrombocytopenia and hematologic cancer predisposition syndrome. Identifiers: Orphanet 71290, MedGen CN281654, MONDO:0011071.

Allele frequency attached by ClinVar (database versions not stated): ExAC 0.00003; gnomAD 0.00003 and 0.00004; TOPMed 0.00004.
gnomAD v4.1: 65 of 1,540,720 alleles (0.0042%); highest among the groups gnomAD compares: Non-Finnish European, 0.0057%; no homozygotes.

Submissions (4):

ClinGen Myeloid Malignancy Variant Curation Expert Panel
Classification: Likely benign for Hereditary thrombocytopenia and hematologic cancer predisposition syndrome. Last evaluated: 2025-01-15. Review status: reviewed by expert panel. Criteria: ClinGen MyeloMalig ACMG Specifications v2. Collection method: curation. Allele origin: germline. Inheritance: Autosomal dominant inheritance.
Comment: The NM_001754.5(RUNX1):c.97+4T>G is an intronic variant. This intronic variant has a SpliceAI score ≤ 0.20 (0.02 donor gain; 0.01 acceptor gain) (BP4). This variant has a SpliceAI score ≤ 0.20 (0.02/0.01) and evolutionary conservation algorithms predict the site as not being conserved (PhyloP score ≤ 2.0 (0.640) (BP7). In summary, this variant meets criteria to be classified as likely benign. ACMG/AMP criteria applied, as specified by the Myeloid Malignancy Variant Curation Expert Panel for RUNX1: BP4, BP7.

Labcorp Genetics (formerly Invitae), Labcorp
Classification: Likely benign for Hereditary thrombocytopenia and hematological cancer predisposition syndrome associated with RUNX1. Last evaluated: 2025-10-19. Review status: criteria provided, single submitter. Criteria: Invitae Variant Classification Sherloc (09022015). Collection method: clinical testing. Allele origin: germline. Not counted in ClinVar's aggregate classification.

Ambry Genetics
Classification: Uncertain significance for Inborn genetic diseases. Last evaluated: 2024-12-19. Review status: criteria provided, single submitter. Criteria: Ambry Variant Classification Scheme 2023. Collection method: clinical testing. Allele origin: germline. Not counted in ClinVar's aggregate classification.
Comment: The c.97+4T>G intronic variant results from a T to G substitution 4 nucleotides after coding exon 2 in the RUNX1 gene. This nucleotide position is well conserved in available vertebrate species. In silico splice site analysis predicts that this alteration will not have any significant effect on splicing. Based on the available evidence, the clinical significance of this variant remains unclear.

Blueprint Genetics
Classification: Uncertain significance. Last evaluated: 2017-07-05. Review status: criteria provided, single submitter. Criteria: ACMG Guidelines, 2015. Collection method: clinical testing. Allele origin: germline. Not counted in ClinVar's aggregate classification.

NM_001754.4(RUNX1):c.97+4T>G

Gene: RUNX1 (RUNX family transcription factor 1; minus strand). Cytogenetic location: 21q22.12.
Variant type: single nucleotide variant.
Coding change: c.97+4T>G on transcript NM_001754.4; 4 bases into the intron after coding-DNA position 97, T replaced by G.
Molecular consequence: intron variant (on NM_001754.5).
Genome position (GRCh38, 1-based): chr21:34,892,921, A>C on the plus strand (T>G on the coding strand, the complement: RUNX1 is on the minus strand). VCF-style: chr21-34892921-A-C. GRCh37 (hg19) VCF-style: chr21-36265218-A-C.
Other names: c.97+4T>G (NM_001754.5).
Identifiers: ClinVar variation 339878 (VCV000339878.16), dbSNP rs754042987, ClinGen allele CA10014626.
Genomic context (GRCh38, chr21:34,892,921, plus strand): 5'-AATCATATACACATCTATGAAGGTGTGTACTTTATTTAAAAATATAACTTGGAATTTAAC[A>C]TACCGTGGACGTCTCTAGAAGGATTCATTCCAAGTATGCATTCTGAAATAACAGAAAGTA-3'